The following is an entry in ClinVar:

NM_001114753.3(ENG):c.130T>C (p.Tyr44His)

Gene: ENG (endoglin; minus strand). Cytogenetic location: 9q34.11.
Variant type: single nucleotide variant.
Coding change: c.130T>C on transcript NM_001114753.3 (MANE Select); coding-DNA position 130, T replaced by C.
Protein change: p.Tyr44His; replaces tyrosine 44 with histidine.
Molecular consequence: missense variant. On other transcripts: 5 prime UTR variant (1).
Genome position (GRCh38, 1-based): chr9:127,843,183, A>G on the plus strand (T>C on the coding strand, the complement: ENG is on the minus strand). VCF-style: chr9-127843183-A-G. GRCh37 (hg19) VCF-style: chr9-130605462-A-G.
Other names: c.130T>C, p.Tyr44His (NM_000118.4, NM_001406715.1); c.-417T>C (NM_001278138.2); short protein forms Y44H.
Identifiers: ClinVar variation 1447793 (VCV001447793.8), dbSNP rs1554812271, ClinGen allele CA374989089.

ClinVar aggregate classification (germline): Uncertain significance. Review status: criteria provided, multiple submitters, no conflicts (2 of 4 stars). 2 submissions from 2 submitters: Uncertain significance (2). Last evaluated 2022-03-22.

Conditions:
Hereditary hemorrhagic telangiectasia (HHT). Also called: ORW DISEASE; Osler Weber Rendu syndrome; OSLER-RENDU-WEBER DISEASE; Osler hemorrhagic telangiectasia syndrome. Identifiers: Orphanet 774, MedGen C0039445, MONDO:0019180. Disease mechanism: loss of function.
Telangiectasia, hereditary hemorrhagic, type 1 (HHT1). Also called: Osler Weber Rendu syndrome type 1; ENG-Related Hereditary Hemorrhagic Telangiectasia. Identifiers: Orphanet 774, MedGen C4551861, MONDO:0008535, OMIM 187300. Disease mechanism: loss of function.

Submissions (2):

3billion
Classification: Uncertain significance for Telangiectasia, hereditary hemorrhagic, type 1. Last evaluated: 2022-03-22. Review status: criteria provided, single submitter. Criteria: ACMG Guidelines, 2015. Collection method: clinical testing. Allele origin: germline. Affected: yes. Observed: 1 heterozygote.
Comment: The variant is not observed in the gnomAD v2.1.1 dataset. Therefore, this variant is classified as uncertain significance according to the recommendation of ACMG/AMP guideline.

Labcorp Genetics (formerly Invitae), Labcorp
Classification: Uncertain significance for Hereditary hemorrhagic telangiectasia. Last evaluated: 2021-08-05. Review status: criteria provided, single submitter. Criteria: Invitae Variant Classification Sherloc (09022015). Collection method: clinical testing. Allele origin: germline.
Comment: In summary, the available evidence is currently insufficient to determine the role of this variant in disease. Therefore, it has been classified as a Variant of Uncertain Significance. This sequence change replaces tyrosine with histidine at codon 44 of the ENG protein (p.Tyr44His). The tyrosine residue is moderately conserved and there is a moderate physicochemical difference between tyrosine and histidine. This variant is not present in population databases (ExAC no frequency). This variant has not been reported in the literature in individuals affected with ENG-related conditions. Advanced modeling of protein sequence and biophysical properties (such as structural, functional, and spatial information, amino acid conservation, physicochemical variation, residue mobility, and thermodynamic stability) performed at Invitae indicates that this missense variant is expected to disrupt ENG protein function.